The following is an entry in ClinVar:

ClinVar aggregate classification (germline): Conflicting classifications of pathogenicity. Review status: criteria provided, conflicting classifications (1 of 4 stars). 2 submissions from 2 submitters: Uncertain significance (1); Likely benign (1). Last evaluated 2024-11-09.

Conditions:
Cardiovascular phenotype. Identifiers: MedGen CN230736.

gnomAD v4.1: 1 of 1,550,178 alleles (0.000065%); highest among the groups gnomAD compares: Non-Finnish European, 0.000087%; no homozygotes.

Submissions (2):

Ambry Genetics
Classification: Likely benign for Cardiovascular phenotype. Last evaluated: 2024-11-09. Review status: criteria provided, single submitter. Criteria: Ambry Variant Classification Scheme 2023. Collection method: clinical testing. Allele origin: germline.

Labcorp Genetics (formerly Invitae), Labcorp
Classification: Uncertain significance. Last evaluated: 2022-08-23. Review status: criteria provided, single submitter. Criteria: Invitae Variant Classification Sherloc (09022015). Collection method: clinical testing. Allele origin: germline.
Comment: This sequence change replaces histidine, which is basic and polar, with tyrosine, which is neutral and polar, at codon 692 of the ZNF469 protein (p.His692Tyr). This variant is not present in population databases (gnomAD no frequency). This variant has not been reported in the literature in individuals affected with ZNF469-related conditions. ClinVar contains an entry for this variant (Variation ID: 1407161). Algorithms developed to predict the effect of missense changes on protein structure and function (SIFT, PolyPhen-2, Align-GVGD) all suggest that this variant is likely to be tolerated. In summary, the available evidence is currently insufficient to determine the role of this variant in disease. Therefore, it has been classified as a Variant of Uncertain Significance.

NM_001367624.2(ZNF469):c.2074C>T (p.His692Tyr)

Gene: ZNF469 (zinc finger protein 469; plus strand). Cytogenetic location: 16q24.2.
Variant type: single nucleotide variant.
Coding change: c.2074C>T on transcript NM_001367624.2 (MANE Select); coding-DNA position 2074, C replaced by T.
Protein change: p.His692Tyr; replaces histidine 692 with tyrosine.
Molecular consequence: missense variant.
Genome position (GRCh38, 1-based): chr16:88,429,544, C>T. VCF-style: chr16-88429544-C-T. GRCh37 (hg19) VCF-style: chr16-88495952-C-T.
Other names: NM_001127464.1:c.2074C>T; short protein forms H692Y.
Identifiers: ClinVar variation 1407161 (VCV001407161.6), dbSNP rs529827333, ClinGen allele CA286373341.